The following is an entry in ClinVar:

NM_000057.4(BLM):c.445A>G (p.Ser149Gly)

Gene: BLM (BLM RecQ like helicase; plus strand). Cytogenetic location: 15q26.1.
Variant type: single nucleotide variant.
Coding change: c.445A>G on transcript NM_000057.4 (MANE Select); coding-DNA position 445, A replaced by G.
Protein change: p.Ser149Gly; replaces serine 149 with glycine.
Molecular consequence: missense variant. On other transcripts: 5 prime UTR variant (1).
Genome position (GRCh38, 1-based): chr15:90,749,713, A>G. VCF-style: chr15-90749713-A-G. GRCh37 (hg19) VCF-style: chr15-91292943-A-G.
Other names: c.445A>G, p.Ser149Gly (NM_001287246.2, NM_001287247.2); c.-847A>G (NM_001287248.2); short protein forms S149G.
Identifiers: ClinVar variation 1740754 (VCV001740754.2), dbSNP rs2505392450, ClinGen allele CA393840749.
Genomic context (GRCh38, chr15:90,749,713, plus strand): 5'-AAGAAATCCCGGGATACTGCTCTCAAGAAATTAGAATTTAGTTCTTCACCAGATTCTTTA[A>G]GTACCATCAATGATTGGGATGATATGGATGACTTTGATACTTCTGAGACTTCAAAATCAT-3'
Protein context (NP_000048.1, residues 139-159): LEFSSSPDSL[Ser149Gly]TINDWDDMDD

ClinVar aggregate classification (germline): Uncertain significance (1 of 4 stars; one submission).

Conditions:
Hereditary cancer-predisposing syndrome. Also called: Hereditary Cancer Syndrome; Hereditary neoplastic syndrome; Neoplastic Syndromes, Hereditary; Tumor predisposition. Identifiers: Orphanet 140162, MedGen C0027672, MeSH D009386, MONDO:0015356.

Submission:

Ambry Genetics
Classification: Uncertain significance for Hereditary cancer-predisposing syndrome. Last evaluated: 2022-05-25. Review status: criteria provided, single submitter. Criteria: Ambry Variant Classification Scheme 2023. Collection method: clinical testing. Allele origin: germline.
Comment: The p.S149G variant (also known as c.445A>G), located in coding exon 2 of the BLM gene, results from an A to G substitution at nucleotide position 445. The serine at codon 149 is replaced by glycine, an amino acid with similar properties. This amino acid position is conserved. In addition, this alteration is predicted to be tolerated by in silico analysis. Since supporting evidence is limited at this time, the clinical significance of this alteration remains unclear.